The following is an entry in ClinVar:

NM_020921.4(NIN):c.3066G>A (p.Met1022Ile)

Gene: NIN (ninein; minus strand). Cytogenetic location: 14q22.1.
Variant type: single nucleotide variant.
Coding change: c.3066G>A on transcript NM_020921.4 (MANE Select); coding-DNA position 3066, G replaced by A.
Protein change: p.Met1022Ile; replaces methionine 1022 with isoleucine.
Molecular consequence: missense variant. On other transcripts: intron variant (1).
Genome position (GRCh38, 1-based): chr14:50,757,964, C>T on the plus strand (G>A on the coding strand, the complement: NIN is on the minus strand). VCF-style: chr14-50757964-C-T. GRCh37 (hg19) VCF-style: chr14-51224682-C-T.
Other names: c.3066G>A, p.Met1022Ile (NM_182944.3, NM_182946.2); c.2399+1893G>A (NM_016350.5); short protein forms M1022I.
Identifiers: ClinVar variation 3011663 (VCV003011663.3), dbSNP rs2505834948, ClinGen allele CA389698544.

ClinVar aggregate classification (germline): Uncertain significance (1 of 4 stars; one submission).

Allele frequency attached by ClinVar (database versions not stated): gnomAD exomes below 0.00001.

Submission:

Labcorp Genetics (formerly Invitae), Labcorp
Classification: Uncertain significance. Last evaluated: 2024-01-18. Review status: criteria provided, single submitter. Criteria: Invitae Variant Classification Sherloc (09022015). Collection method: clinical testing. Allele origin: germline.
Comment: This sequence change replaces methionine, which is neutral and non-polar, with isoleucine, which is neutral and non-polar, at codon 1022 of the NIN protein (p.Met1022Ile). This variant is not present in population databases (gnomAD no frequency). This variant has not been reported in the literature in individuals affected with NIN-related conditions. An algorithm developed to predict the effect of missense changes on protein structure and function (PolyPhen-2) suggests that this variant is likely to be tolerated. In summary, the available evidence is currently insufficient to determine the role of this variant in disease. Therefore, it has been classified as a Variant of Uncertain Significance.